The following is an entry in ClinVar:

NM_003126.4(SPTA1):c.7215T>C (p.Ser2405=)

Genes: OR10Z1 (olfactory receptor family 10 subfamily Z member 1; plus strand), SPTA1 (spectrin alpha, erythrocytic 1; minus strand). Cytogenetic location: 1q23.1.
Variant type: single nucleotide variant.
Coding change: c.7215T>C on transcript NM_003126.4 (MANE Select); coding-DNA position 7215, T replaced by C.
Protein change: p.Ser2405=; no amino-acid change (serine 2405 retained).
Molecular consequence: synonymous variant. On other transcripts: 3 prime UTR variant (1).
Genome position (GRCh38, 1-based): chr1:158,611,309, A>G on the plus strand (T>C on the coding strand, the complement: SPTA1 is on the minus strand). VCF-style: chr1-158611309-A-G. GRCh37 (hg19) VCF-style: chr1-158581099-A-G.
Other names: p.Ser2405=; c.*3929A>G (NM_001004478.2).
Identifiers: ClinVar variation 4683573 (VCV004683573.1).

ClinVar aggregate classification (germline): Likely benign (1 of 4 stars; one submission).

gnomAD v4.1: 81 of 1,613,782 alleles (0.005%); highest among the groups gnomAD compares: Non-Finnish European, 0.0064%; no homozygotes.

Submission:

Mayo Clinic Laboratories, Mayo Clinic
Classification: Likely benign. Last evaluated: 2025-12-07. Review status: criteria provided, single submitter. Criteria: ACMG Guidelines, 2015. Collection method: clinical testing. Allele origin: germline. Observed: 1 variant allele.
Comment: BP4, BP7, PM2_supporting